The following is an entry in ClinVar:

NM_002769.5(PRSS1):c.342_360del (p.Ser115fs)

Genes: PRSS1 (serine protease 1; plus strand), TRB (T cell receptor beta locus; plus strand). Cytogenetic location: 7q34.
Variant type: Deletion.
Coding change: c.342_360del on transcript NM_002769.5 (MANE Select); coding-DNA positions 342 to 360, 19 bases deleted (CTCACGTGCAGTAATCAAC).
Protein change: p.Ser115fs; shifts the reading frame from serine 115.
Molecular consequence: frameshift variant. On other transcripts: non-coding transcript variant (4).
Genome position (GRCh38, 1-based): chr7:142,751,915-142,751,933, CTCACGTGCAGTAATCAAC deleted; deleting any 19 consecutive bases within chr7:142,751,914-142,751,933 gives the same sequence; the c. name uses the placement nearest the transcript's 3' end. VCF-style (leftmost placement, unchanged base first): chr7-142751913-TCCTCACGTGCAGTAATCAA-T. GRCh37 (hg19) VCF-style: chr7-142459764-TCCTCACGTGCAGTAATCAA-T.
Other names: short protein forms S115fs.
Identifiers: ClinVar variation 4145695 (VCV004145695.1).

ClinVar aggregate classification (germline): Uncertain significance (1 of 4 stars; one submission).

Conditions:
Hereditary pancreatitis (PCTT). Also called: Hereditary chronic pancreatitis; PRSS1-Related Hereditary Pancreatitis. Identifiers: Orphanet 676, MedGen C0238339, MONDO:0008185, OMIM 167800.

Submission:

Ambry Genetics
Classification: Uncertain significance for Hereditary pancreatitis. Last evaluated: 2025-06-26. Review status: criteria provided, single submitter. Criteria: Ambry Variant Classification Scheme 2023. Collection method: clinical testing. Allele origin: germline.
Comment: The c.342_360del19 variant, located in coding exon 3 of the PRSS1 gene, results from a deletion of 19 nucleotides at nucleotide positions 342 to 360, causing a translational frameshift with a predicted alternate stop codon (p.S115Pfs*46). This alteration is expected to result in loss of function by premature protein truncation or nonsense-mediated mRNA decay. However, loss of function of PRSS1 has not been established as a mechanism of disease. Based on the available evidence, the clinical significance of this variant remains unclear.